The following is an entry in ClinVar:

ClinVar aggregate classification (germline): Pathogenic (1 of 4 stars; one submission).

Conditions:
Breast-ovarian cancer, familial, susceptibility to, 2 (BROVCA2). Also called: BRCA2 Hereditary Breast and Ovarian Cancer. Identifiers: Orphanet 145, MedGen C2675520, MONDO:0012933, OMIM 612555. Disease mechanism: loss of function.

Submission:

Myriad Genetics, Inc.
Classification: Pathogenic for Breast-ovarian cancer, familial, susceptibility to, 2. Last evaluated: 2023-05-31. Review status: criteria provided, single submitter. Criteria: Myriad Autosomal Dominant, Autosomal Recessive and X-Linked Classification Criteria (2023). Collection method: clinical testing. Allele origin: unknown.
Comment: This variant is considered pathogenic. This variant creates a frameshift predicted to result in premature protein truncation.

NM_000059.4(BRCA2):c.7858_7859del (p.Val2620fs)

Gene: BRCA2 (BRCA2 DNA repair associated; plus strand). Cytogenetic location: 13q13.1.
Variant type: Deletion.
Coding change: c.7858_7859del on transcript NM_000059.4 (MANE Select); coding-DNA positions 7858 to 7859, 2 bases deleted (GT; older notation c.7858_7859delGT).
Protein change: p.Val2620fs; shifts the reading frame from valine 2620.
Molecular consequence: frameshift variant. On other transcripts: non-coding transcript variant (1).
Genome position (GRCh38, 1-based): chr13:32,362,575-32,362,576, GT deleted. VCF-style (leftmost placement, unchanged base first): chr13-32362574-GGT-G. GRCh37 (hg19) VCF-style: chr13-32936711-GGT-G.
Other names: c.7762_7763del, p.Val2588fs (NM_001406719.1); c.7858_7859del, p.Val2620fs (NM_001406720.1); c.2926_2927del, p.Val976fs (NM_001406721.1); c.1441_1442del, p.Val481fs (NM_001406722.1); short protein forms V2588fs, V2620fs, V481fs, V976fs.
Identifiers: ClinVar variation 2583837 (VCV002583837.2), dbSNP rs2548545378, ClinGen allele CA2582341812.